The following is an entry in ClinVar:

ClinVar aggregate classification (germline): Pathogenic. Review status: criteria provided, multiple submitters, no conflicts (2 of 4 stars). 2 submissions from 2 submitters: Pathogenic (2). Last evaluated 2021-05-07.

Conditions:
Hereditary cancer-predisposing syndrome. Also called: Neoplastic Syndromes, Hereditary; Hereditary neoplastic syndrome; Hereditary Cancer Syndrome; Tumor predisposition. Identifiers: Orphanet 140162, MedGen C0027672, MeSH D009386, MONDO:0015356.

Submissions (2):

GeneDx
Classification: Pathogenic. Last evaluated: 2021-05-07. Review status: criteria provided, single submitter. Criteria: GeneDx Variant Classification Process June 2021. Collection method: clinical testing. Allele origin: germline. Affected: yes.
Comment: Frameshift variant predicted to result in protein truncation in a gene for which loss-of-function is a known mechanism of disease; Not observed in large population cohorts (Lek 2016); Has not been previously published as pathogenic or benign to our knowledge

Ambry Genetics
Classification: Pathogenic for Hereditary cancer-predisposing syndrome. Last evaluated: 2018-12-06. Review status: criteria provided, single submitter. Criteria: Ambry Variant Classification Scheme 2023. Collection method: clinical testing. Allele origin: germline.
Comment: The c.7931_7937delTTTATCA pathogenic mutation, located in coding exon 15 of the APC gene, results from a deletion of 7 nucleotides at nucleotide positions 7931 to 7937, causing a translational frameshift with a predicted alternate stop codon (p.I2644Kfs*14). This alteration is expected to result in loss of function by premature protein truncation. As such, this alteration is interpreted as a disease-causing mutation.

NM_000038.6(APC):c.7931_7937del (p.Ile2644fs)

Gene: APC (APC regulator of Wnt signaling pathway; plus strand). Cytogenetic location: 5q22.2.
Variant type: Deletion.
Coding change: c.7931_7937del on transcript NM_000038.6 (MANE Select); coding-DNA positions 7931 to 7937, 7 bases deleted (TTTATCA; older notation c.7931_7937delTTTATCA).
Protein change: p.Ile2644fs; shifts the reading frame from isoleucine 2644.
Molecular consequence: frameshift variant.
Genome position (GRCh38, 1-based): chr5:112,843,525-112,843,531, TTTATCA deleted; deleting any 7 consecutive bases within chr5:112,843,524-112,843,531 gives the same sequence; the c. name uses the placement nearest the transcript's 3' end. VCF-style (leftmost placement, unchanged base first): chr5-112843523-AATTTATC-A. GRCh37 (hg19) VCF-style: chr5-112179220-AATTTATC-A.
Other names: c.7931_7937delTTTATCA (NM_000038.5); c.7931_7937del, p.Ile2644fs (NM_001127510.3, NM_001354895.2); c.7877_7883del, p.Ile2626fs (NM_001127511.3); c.7985_7991del, p.Ile2662fs (NM_001354896.2); c.7961_7967del, p.Ile2654fs (NM_001354897.2); c.7856_7862del, p.Ile2619fs (NM_001354898.2); c.7847_7853del, p.Ile2616fs (NM_001354899.2); c.7808_7814del, p.Ile2603fs (NM_001354900.2); and 6 more; short protein forms I2361fs, I2484fs, I2553fs, I2585fs, I2603fs, I2619fs, I2626fs, I2616fs.
Identifiers: ClinVar variation 265577 (VCV000265577.6), dbSNP rs886039639, ClinGen allele CA10588389.